The following is an entry in ClinVar:

NM_003072.5(SMARCA4):c.3331A>G (p.Ile1111Val)

Gene: SMARCA4 (SWI/SNF related BAF chromatin remodeling complex subunit ATPase 4; plus strand). Cytogenetic location: 19p13.2.
Variant type: single nucleotide variant.
Coding change: c.3331A>G on transcript NM_003072.5 (MANE Select); coding-DNA position 3331, A replaced by G.
Protein change: p.Ile1111Val; replaces isoleucine 1111 with valine.
Molecular consequence: missense variant. On other transcripts: non-coding transcript variant (1).
Genome position (GRCh38, 1-based): chr19:11,027,899, A>G. VCF-style: chr19-11027899-A-G. GRCh37 (hg19) VCF-style: chr19-11138575-A-G.
Other names: c.3331A>G, p.Ile1111Val (NM_001128844.3, NM_001128845.2, NM_001128846.2 and 4 more transcripts); short protein forms I1111V.
Identifiers: ClinVar variation 956503 (VCV000956503.11), dbSNP rs2090377448, ClinGen allele CA404061783.

ClinVar aggregate classification (germline): Uncertain significance. Review status: criteria provided, multiple submitters, no conflicts (2 of 4 stars). 3 submissions from 3 submitters: Uncertain significance (3). Last evaluated 2026-04-02.

Conditions:
Hereditary cancer-predisposing syndrome. Also called: Hereditary Cancer Syndrome; Neoplastic Syndromes, Hereditary; Tumor predisposition; Hereditary neoplastic syndrome. Identifiers: Orphanet 140162, MedGen C0027672, MeSH D009386, MONDO:0015356.
Rhabdoid tumor predisposition syndrome 2 (RTPS2). Identifiers: Orphanet 231108, Orphanet 69077, MedGen C2750074, MONDO:0013224, OMIM 613325.

Allele frequency attached by ClinVar (database versions not stated): TOPMed below 0.00001.

Submissions (3):

Ambry Genetics
Classification: Uncertain significance for Hereditary cancer-predisposing syndrome. Last evaluated: 2026-04-02. Review status: criteria provided, single submitter. Criteria: Ambry Variant Classification Scheme 2023. Collection method: clinical testing. Allele origin: germline.
Comment: The p.I1111V variant (also known as c.3331A>G), located in coding exon 23 of the SMARCA4 gene, results from an A to G substitution at nucleotide position 3331. The isoleucine at codon 1111 is replaced by valine, an amino acid with highly similar properties. This amino acid position is conserved. In addition, the in silico prediction for this alteration is inconclusive. Based on the available evidence, the clinical significance of this variant remains unclear.

GeneDx
Classification: Uncertain significance. Last evaluated: 2023-11-25. Review status: criteria provided, single submitter. Criteria: GeneDx Variant Classification Process June 2021. Collection method: clinical testing. Allele origin: germline. Affected: yes.
Comment: Not observed at significant frequency in large population cohorts (gnomAD); In silico analysis supports that this missense variant does not alter protein structure/function; Has not been previously published as pathogenic or benign to our knowledge; This variant is associated with the following publications: (PMID: 24658002)

Labcorp Genetics (formerly Invitae), Labcorp
Classification: Uncertain significance for Rhabdoid tumor predisposition syndrome 2. Last evaluated: 2022-06-16. Review status: criteria provided, single submitter. Criteria: Invitae Variant Classification Sherloc (09022015). Collection method: clinical testing. Allele origin: germline.
Comment: This sequence change replaces isoleucine, which is neutral and non-polar, with valine, which is neutral and non-polar, at codon 1111 of the SMARCA4 protein (p.Ile1111Val). In summary, the available evidence is currently insufficient to determine the role of this variant in disease. Therefore, it has been classified as a Variant of Uncertain Significance. Algorithms developed to predict the effect of missense changes on protein structure and function (SIFT, PolyPhen-2, Align-GVGD) all suggest that this variant is likely to be disruptive. ClinVar contains an entry for this variant (Variation ID: 956503). This variant has not been reported in the literature in individuals affected with SMARCA4-related conditions. This variant is not present in population databases (gnomAD no frequency).